The following is an entry in ClinVar:

ClinVar aggregate classification (germline): Uncertain significance (1 of 4 stars; one submission).

Submission:

Labcorp Genetics (formerly Invitae), Labcorp
Classification: Uncertain significance. Last evaluated: 2025-02-24. Review status: criteria provided, single submitter. Criteria: Invitae Variant Classification Sherloc (09022015). Collection method: clinical testing. Allele origin: germline.
Comment: This sequence change replaces arginine, which is basic and polar, with proline, which is neutral and non-polar, at codon 601 of the AMER1 protein (p.Arg601Pro). This variant is not present in population databases (gnomAD no frequency). This variant has not been reported in the literature in individuals affected with AMER1-related conditions. An algorithm developed to predict the effect of missense changes on protein structure and function (PolyPhen-2) suggests that this variant is likely to be tolerated. In summary, the available evidence is currently insufficient to determine the role of this variant in disease. Therefore, it has been classified as a Variant of Uncertain Significance.

NM_152424.4(AMER1):c.1802G>C (p.Arg601Pro)

Gene: AMER1 (APC membrane recruitment protein 1; minus strand). Cytogenetic location: Xq11.2.
Variant type: single nucleotide variant.
Coding change: c.1802G>C on transcript NM_152424.4 (MANE Select); coding-DNA position 1802, G replaced by C.
Protein change: p.Arg601Pro; replaces arginine 601 with proline.
Molecular consequence: missense variant.
Genome position (GRCh38, 1-based): chrX:64,191,485, C>G on the plus strand (G>C on the coding strand, the complement: AMER1 is on the minus strand). VCF-style: chrX-64191485-C-G. GRCh37 (hg19) VCF-style: chrX-63411365-C-G.
Other names: short protein forms R601P.
Identifiers: ClinVar variation 3693361 (VCV003693361.2).
Genomic context (GRCh38, chrX:64,191,485, plus strand): 5'-CTGCCATGAGCTTCCCAAGTGTGGGCCTCCCTGGCATAGGCTTCCCTGCCATAAGCCTCT[C>G]GAGTATAGGCCTCCCTGGCGTGGGCCTCCCTGGCATGAGCTTCTCGGGCACGTGCCTCCT-3'
Protein context (NP_689637.3, residues 591-611): REAHAREAYT[Arg601Pro]EAYGREAYAR